The following is an entry in ClinVar:

NM_000208.4(INSR):c.4133G>A (p.Arg1378Gln)

Gene: INSR (insulin receptor; minus strand). Cytogenetic location: 19p13.2.
Variant type: single nucleotide variant.
Coding change: c.4133G>A on transcript NM_000208.4 (MANE Select); coding-DNA position 4133, G replaced by A.
Protein change: p.Arg1378Gln; replaces arginine 1378 with glutamine.
Molecular consequence: missense variant.
Genome position (GRCh38, 1-based): chr19:7,117,072, C>T on the plus strand (G>A on the coding strand, the complement: INSR is on the minus strand). VCF-style: chr19-7117072-C-T. GRCh37 (hg19) VCF-style: chr19-7117083-C-T.
Other names: c.4097G>A, p.Arg1366Gln (NM_001079817.3); short protein forms R1366Q, R1378Q.
Identifiers: ClinVar variation 1685300 (VCV001685300.7), dbSNP rs52826008, ClinGen allele CA9135084.

ClinVar aggregate classification (germline): Conflicting classifications of pathogenicity. Review status: criteria provided, conflicting classifications (1 of 4 stars). 3 submissions from 3 submitters: Uncertain significance (2); Benign (1). Last evaluated 2024-09-13.

Allele frequency attached by ClinVar (database versions not stated): ExAC 0.00040; 1000 Genomes Project 30x 0.00078; 1000 Genomes Project 0.00100.
gnomAD v4.1: 221 of 1,614,036 alleles (0.014%); highest among the groups gnomAD compares: South Asian, 0.23%; 4 homozygotes.

Submissions (3):

Blueprint Genetics
Classification: Uncertain significance. Last evaluated: 2024-09-13. Review status: criteria provided, single submitter. Criteria: ACMG Guidelines, 2015. Collection method: clinical testing. Allele origin: germline.

Mendelics
Classification: Benign. Last evaluated: 2022-05-04. Review status: criteria provided, single submitter. Criteria: Mendelics Assertion Criteria 2019. Collection method: clinical testing. Allele origin: germline.

Labcorp Genetics (formerly Invitae), Labcorp
Classification: Uncertain significance. Last evaluated: 2022-03-12. Review status: criteria provided, single submitter. Criteria: Invitae Variant Classification Sherloc (09022015). Collection method: clinical testing. Allele origin: germline.
Comment: This sequence change replaces arginine, which is basic and polar, with glutamine, which is neutral and polar, at codon 1378 of the INSR protein (p.Arg1378Gln). This variant is present in population databases (rs52826008, gnomAD 0.3%), including at least one homozygous and/or hemizygous individual. This missense change has been observed in individual(s) with insulin resistance and acute pancreatitis (PMID: 8314008). Advanced modeling of protein sequence and biophysical properties (such as structural, functional, and spatial information, amino acid conservation, physicochemical variation, residue mobility, and thermodynamic stability) performed at Invitae indicates that this missense variant is not expected to disrupt INSR protein function. In summary, the available evidence is currently insufficient to determine the role of this variant in disease. Therefore, it has been classified as a Variant of Uncertain Significance.

Literature cited by the submitters: PubMed 8314008 (cited by Labcorp Genetics (formerly Invitae), Labcorp).